The following is an entry in ClinVar:

ClinVar aggregate classification (germline): Likely benign. Review status: criteria provided, multiple submitters, no conflicts (2 of 4 stars). 3 submissions from 3 submitters: Likely benign (3). Last evaluated 2026-04-24.

Conditions:
TET2-related disorder. Also called: TET2-related condition.

Allele frequency attached by ClinVar (database versions not stated): gnomAD 0.00005; TOPMed 0.00006; ExAC 0.00007; ESP Exome Variant Server 0.00008; gnomAD exomes 0.00021.
gnomAD v4.1: 315 of 1,613,798 alleles (0.02%); highest among the groups gnomAD compares: Non-Finnish European, 0.026%; no homozygotes.

Submissions (3):

PreventionGenetics, part of Exact Sciences
Classification: Likely benign for TET2-related condition. Last evaluated: 2026-04-24. Review status: criteria provided, single submitter. Criteria: ACMG Guidelines, 2015. Collection method: clinical testing. Allele origin: germline.
Comment: This variant is classified as likely benign based on ACMG/AMP sequence variant interpretation guidelines (Richards et al. 2015 PMID: 25741868, with internal and published modifications).

Labcorp Genetics (formerly Invitae), Labcorp
Classification: Likely benign. Last evaluated: 2025-08-04. Review status: criteria provided, single submitter. Criteria: Invitae Variant Classification Sherloc (09022015). Collection method: clinical testing. Allele origin: germline.

Ambry Genetics
Classification: Likely benign. Last evaluated: 2024-10-15. Review status: criteria provided, single submitter. Criteria: Ambry Variant Classification Scheme 2023. Collection method: clinical testing. Allele origin: germline.

NM_001127208.3(TET2):c.15A>G (p.Arg5=)

Genes: TET2 (tet methylcytosine dioxygenase 2; plus strand), TET2-AS1 (TET2 antisense RNA 1; minus strand). Cytogenetic location: 4q24.
Variant type: single nucleotide variant.
Coding change: c.15A>G on transcript NM_001127208.3 (MANE Select); coding-DNA position 15, A replaced by G.
Protein change: p.Arg5=; no amino-acid change (arginine 5 retained).
Molecular consequence: synonymous variant.
Genome position (GRCh38, 1-based): chr4:105,233,957, A>G. VCF-style: chr4-105233957-A-G. GRCh37 (hg19) VCF-style: chr4-106155114-A-G.
Other names: c.15A>G, p.Arg5= (NM_017628.4).
Identifiers: ClinVar variation 2082675 (VCV002082675.6), dbSNP rs200508474, ClinGen allele CA3031431.